The following is an entry in ClinVar:

ClinVar aggregate classification (germline): Uncertain significance (1 of 4 stars; one submission).

Submission:

GeneDx
Classification: Uncertain significance. Last evaluated: 2024-12-30. Review status: criteria provided, single submitter. Criteria: GeneDx Variant Classification Process June 2021. Collection method: clinical testing. Allele origin: germline. Affected: yes.
Comment: Not observed at significant frequency in large population cohorts (gnomAD); In silico analysis indicates that this missense variant does not alter protein structure/function; Has not been previously published as pathogenic or benign to our knowledge

NM_145239.3(PRRT2):c.737A>G (p.His246Arg)

Genes: MVP-DT (MVP divergent transcript; minus strand), PRRT2 (proline rich transmembrane protein 2; plus strand). Cytogenetic location: 16p11.2.
Variant type: single nucleotide variant.
Coding change: c.737A>G on transcript NM_145239.3 (MANE Select); coding-DNA position 737, A replaced by G.
Protein change: p.His246Arg; replaces histidine 246 with arginine.
Molecular consequence: missense variant.
Genome position (GRCh38, 1-based): chr16:29,813,791, A>G. VCF-style: chr16-29813791-A-G. GRCh37 (hg19) VCF-style: chr16-29825112-A-G.
Other names: c.737A>G, p.His246Arg (NM_001256442.2, NM_001256443.2); short protein forms H246R.
Identifiers: ClinVar variation 3907845 (VCV003907845.1).